The following is an entry in ClinVar:

ClinVar aggregate classification (germline): Uncertain significance. Review status: criteria provided, multiple submitters, no conflicts (2 of 4 stars). 3 submissions from 3 submitters: Uncertain significance (3). Last evaluated 2023-02-16.

Conditions:
Inborn genetic diseases. Identifiers: MedGen C0950123, MeSH D030342.
PCNT-related disorder. Also called: PCNT-related condition.

Allele frequency attached by ClinVar (database versions not stated): ExAC 0.00003.
gnomAD v4.1: 20 of 1,613,590 alleles (0.0012%); highest among the groups gnomAD compares: South Asian, 0.021%; no homozygotes.

Submissions (3):

Ambry Genetics
Classification: Uncertain significance for Inborn genetic diseases. Last evaluated: 2023-02-16. Review status: criteria provided, single submitter. Criteria: Ambry Variant Classification Scheme 2023. Collection method: clinical testing. Allele origin: germline.

PreventionGenetics, part of Exact Sciences
Classification: Uncertain significance for PCNT-related condition. Last evaluated: 2022-10-04. Review status: criteria provided, single submitter. Criteria: ACMG Guidelines, 2015. Collection method: clinical testing. Allele origin: germline.
Comment: The PCNT c.8339T>G variant is predicted to result in the amino acid substitution p.Val2780Gly. To our knowledge, this variant has not been reported in the literature. This variant is reported in 0.020% of alleles in individuals of South Asian descent in gnomAD. At this time, the clinical significance of this variant is uncertain due to the absence of conclusive functional and genetic evidence.

Breakthrough Genomics
Classification: Uncertain significance. Review status: criteria provided, single submitter. Criteria: ACMG Guidelines, 2015. Collection method: not provided. Allele origin: germline. Inheritance: Autosomal dominant inheritance. Affected: yes.

NM_006031.6(PCNT):c.8339T>G (p.Val2780Gly)

Gene: PCNT (pericentrin; plus strand). Cytogenetic location: 21q22.3.
Variant type: single nucleotide variant.
Coding change: c.8339T>G on transcript NM_006031.6 (MANE Select); coding-DNA position 8339, T replaced by G.
Protein change: p.Val2780Gly; replaces valine 2780 with glycine.
Molecular consequence: missense variant.
Genome position (GRCh38, 1-based): chr21:46,431,803, T>G. VCF-style: chr21-46431803-T-G. GRCh37 (hg19) VCF-style: chr21-47851717-T-G.
Other names: c.7985T>G, p.Val2662Gly (NM_001315529.2); short protein forms V2662G, V2780G.
Identifiers: ClinVar variation 2486432 (VCV002486432.4), dbSNP rs773346770, ClinGen allele CA10080949.